The following is an entry in ClinVar:

NM_006648.4(WNK2):c.6221C>T (p.Ala2074Val)

Gene: WNK2 (WNK lysine deficient protein kinase 2; plus strand). Cytogenetic location: 9q22.31.
Variant type: single nucleotide variant.
Coding change: c.6221C>T on transcript NM_006648.4 (MANE Select); coding-DNA position 6221, C replaced by T.
Protein change: p.Ala2074Val; replaces alanine 2074 with valine.
Molecular consequence: missense variant.
Genome position (GRCh38, 1-based): chr9:93,306,783, C>T. VCF-style: chr9-93306783-C-T. GRCh37 (hg19) VCF-style: chr9-96069065-C-T.
Other names: c.6332C>T, p.Ala2111Val (NM_001282394.3); short protein forms A2111V, A2074V.
Identifiers: ClinVar variation 5031935 (VCV005031935.1).

ClinVar aggregate classification (germline): Uncertain significance (1 of 4 stars; one submission).

Submission:

Ambry Genetics
Classification: Uncertain significance. Last evaluated: 2026-08-18. Review status: criteria provided, single submitter. Criteria: Ambry Variant Classification Scheme 2023. Collection method: clinical testing. Allele origin: germline.
Comment: The p.A2074V variant (also known as c.6221C>T), located in coding exon 26 of the WNK2 gene, results from a C to T substitution at nucleotide position 6221. The alanine at codon 2074 is replaced by valine, an amino acid with similar properties. This amino acid position is conserved. In addition, the in silico prediction for this alteration is inconclusive. Based on the available evidence, the clinical significance of this variant remains unclear.